The following is an entry in ClinVar:

NM_000377.3(WAS):c.1188ACCGCCACC[3] (p.Pro404_Ser405insProProPro)

Gene: WAS (WASP actin nucleation promoting factor; plus strand). Cytogenetic location: Xp11.23.
Variant type: Microsatellite.
Coding change: c.1188ACCGCCACC[3] on transcript NM_000377.3 (MANE Select); three copies in a row of the 9-base unit ACCGCCACC starting at c.1188; the reference has two copies in a row; one copy, 9 bases duplicated; also written c.1197_1205dup.
Protein change: p.Pro404_Ser405insProProPro.
Molecular consequence: inframe insertion. On other transcripts: inframe indel (1).
Genome position (GRCh38, 1-based): chrX:48,688,925-48,688,933, ACCGCCACC duplicated; duplicating any 9 consecutive bases within chrX:48,688,911-48,688,933 gives the same sequence; the position shown is the placement nearest the transcript's 3' end. VCF-style (leftmost placement, unchanged base first): chrX-48688910-A-ACCACCACCG. GRCh37 (hg19) VCF-style: chrX-48547299-A-ACCACCACCG.
Other names: p.Pro402_Pro404dup; c.1188_1196ACCGCCACC[3], p.Pro404_Ser405insProProPro (NM_000377.2); c.1197_1205dup (NM_000377.3); c.1197_1205dup9 (NM_000377.2).
Identifiers: ClinVar variation 2182880 (VCV002182880.6), dbSNP rs193922412, ClinGen allele CA10404045.

ClinVar aggregate classification (germline): Uncertain significance. Review status: criteria provided, multiple submitters, no conflicts (2 of 4 stars). 3 submissions from 3 submitters: Uncertain significance (2). 1 of the submissions does not count toward it. Last evaluated 2024-04-30.

Conditions:
WAS-related disorder. Also called: WAS-related condition; WAS-Related Disorders. Identifiers: MedGen CN381538.
Thrombocytopenia 1. Also called: THROMBOCYTOPENIA, X-LINKED, 1; X-Linked Thrombocytopenia (XLT); X-linked thrombocytopenia with normal platelets. Identifiers: Orphanet 268322, Orphanet 852, MedGen C1839163, MONDO:0010743, OMIM 313900.
Wiskott-Aldrich syndrome (WAS). Also called: Wiskott-aldrich syndrome, somatic; ALDRICH SYNDROME; IMMUNODEFICIENCY 2; WISKOTT-ALDRICH SYNDROME 1. Identifiers: Orphanet 906, MedGen C0043194, MONDO:0010518, OMIM 301000.
X-linked severe congenital neutropenia (SCNX). Identifiers: Orphanet 86788, MedGen C1845987, MONDO:0010294, OMIM 300299.

Submissions (3):

Labcorp Genetics (formerly Invitae), Labcorp
Classification: Uncertain significance for Wiskott-Aldrich syndrome; X-linked severe congenital neutropenia; Thrombocytopenia 1. Last evaluated: 2024-04-30. Review status: criteria provided, single submitter. Criteria: Invitae Variant Classification Sherloc (09022015). Collection method: clinical testing. Allele origin: germline.
Comment: This variant, c.1197_1205dup, results in the insertion of 3 amino acid(s) of the WAS protein (p.Pro402_Pro404dup), but otherwise preserves the integrity of the reading frame. This variant is present in population databases (rs781960751, gnomAD 0.006%). This variant has not been reported in the literature in individuals affected with WAS-related conditions. In summary, the available evidence is currently insufficient to determine the role of this variant in disease. Therefore, it has been classified as a Variant of Uncertain Significance.

Mayo Clinic Laboratories, Mayo Clinic
Classification: Uncertain significance. Last evaluated: 2024-03-18. Review status: criteria provided, single submitter. Criteria: ACMG Guidelines, 2015. Collection method: clinical testing. Allele origin: germline. Observed: 1 variant allele.
Comment: BP3, PM2

PreventionGenetics, part of Exact Sciences
Classification: Uncertain significance for WAS-related condition. Last evaluated: 2024-04-25. Review status: no assertion criteria provided. Collection method: clinical testing. Allele origin: germline. Not counted in ClinVar's aggregate classification.
Comment: The WAS c.1197_1205dup9 variant is predicted to result in an in-frame duplication (p.Pro402_Pro404dup). To our knowledge, this variant has not been reported in the literature. This variant is reported in 0.0053% of alleles in individuals of European (Non-Finnish) descent in gnomAD. At this time, the clinical significance of this variant is uncertain due to the absence of conclusive functional and genetic evidence.